The following is an entry in ClinVar:

ClinVar aggregate classification (germline): Uncertain significance. Review status: criteria provided, multiple submitters, no conflicts (2 of 4 stars). 2 submissions from 2 submitters: Uncertain significance (2). Last evaluated 2024-09-14.

Conditions:
Inborn genetic diseases. Identifiers: MedGen C0950123, MeSH D030342.
Charcot-Marie-Tooth disease dominant intermediate F. Identifiers: Orphanet 352670, MedGen C4749463, MONDO:0014074, OMIM 615185.

Allele frequency attached by ClinVar (database versions not stated): TOPMed below 0.00001; gnomAD exomes 0.00001.
gnomAD v4.1: 7 of 1,612,166 alleles (0.00043%); highest among the groups gnomAD compares: Non-Finnish European, 0.00059%; no homozygotes.

Submissions (2):

Ambry Genetics
Classification: Uncertain significance for Inborn genetic diseases. Last evaluated: 2024-09-14. Review status: criteria provided, single submitter. Criteria: Ambry Variant Classification Scheme 2023. Collection method: clinical testing. Allele origin: germline.

Labcorp Genetics (formerly Invitae), Labcorp
Classification: Uncertain significance for Charcot-Marie-Tooth disease dominant intermediate F. Last evaluated: 2023-03-27. Review status: criteria provided, single submitter. Criteria: Invitae Variant Classification Sherloc (09022015). Collection method: clinical testing. Allele origin: germline.
Comment: Advanced modeling of protein sequence and biophysical properties (such as structural, functional, and spatial information, amino acid conservation, physicochemical variation, residue mobility, and thermodynamic stability) performed at Invitae indicates that this missense variant is not expected to disrupt GNB4 protein function. In summary, the available evidence is currently insufficient to determine the role of this variant in disease. Therefore, it has been classified as a Variant of Uncertain Significance. ClinVar contains an entry for this variant (Variation ID: 846643). This variant has not been reported in the literature in individuals affected with GNB4-related conditions. This variant is not present in population databases (gnomAD no frequency). This sequence change replaces valine, which is neutral and non-polar, with isoleucine, which is neutral and non-polar, at codon 112 of the GNB4 protein (p.Val112Ile).

NM_021629.4(GNB4):c.334G>A (p.Val112Ile)

Gene: GNB4 (G protein subunit beta 4; minus strand). Cytogenetic location: 3q26.33.
Variant type: single nucleotide variant.
Coding change: c.334G>A on transcript NM_021629.4 (MANE Select); coding-DNA position 334, G replaced by A.
Protein change: p.Val112Ile; replaces valine 112 with isoleucine.
Molecular consequence: missense variant.
Genome position (GRCh38, 1-based): chr3:179,414,981, C>T on the plus strand (G>A on the coding strand, the complement: GNB4 is on the minus strand). VCF-style: chr3-179414981-C-T. GRCh37 (hg19) VCF-style: chr3-179132769-C-T.
Other names: short protein forms V112I.
Identifiers: ClinVar variation 846643 (VCV000846643.10), dbSNP rs1186398900, ClinGen allele CA355470080.
Genomic context (GRCh38, chr3:179,414,981, plus strand): 5'-TTCCCTCTCTGGTCTTTAAGTTATATATAGAGCAGATGTTGTCCAAGCCTCCACAGGCAA[C>T]ATAATTACCAGAGGGAGCATAAGCACAGGTCATCACCCAGGAGGACCTCAAAGGAATAGC-3'
Protein context (NP_067642.1, residues 102-122): TCAYAPSGNY[Val112Ile]ACGGLDNICS